The following is an entry in ClinVar:

ClinVar aggregate classification (germline): Uncertain significance (1 of 4 stars; one submission).

Allele frequency attached by ClinVar (database versions not stated): gnomAD exomes below 0.00001; gnomAD 0.00001; TOPMed 0.00001.
gnomAD v4.1: 3 of 1,495,208 alleles (0.0002%); highest among the groups gnomAD compares: Non-Finnish European, 0.00027%; no homozygotes.

Submission:

Labcorp Genetics (formerly Invitae), Labcorp
Classification: Uncertain significance. Last evaluated: 2022-12-05. Review status: criteria provided, single submitter. Criteria: Invitae Variant Classification Sherloc (09022015). Collection method: clinical testing. Allele origin: germline.
Comment: In summary, the available evidence is currently insufficient to determine the role of this variant in disease. Therefore, it has been classified as a Variant of Uncertain Significance. Algorithms developed to predict the effect of missense changes on protein structure and function are either unavailable or do not agree on the potential impact of this missense change (SIFT: "Not Available"; PolyPhen-2: "Probably Damaging"; Align-GVGD: "Not Available"). This variant has not been reported in the literature in individuals affected with IFT88-related conditions. This variant is not present in population databases (gnomAD no frequency). This sequence change replaces aspartic acid, which is acidic and polar, with glycine, which is neutral and non-polar, at codon 489 of the IFT88 protein (p.Asp489Gly).

NM_006531.5(IFT88):c.1439A>G (p.Asp480Gly)

Gene: IFT88 (intraflagellar transport 88; plus strand). Cytogenetic location: 13q12.11.
Variant type: single nucleotide variant.
Coding change: c.1439A>G on transcript NM_006531.5 (MANE Select); coding-DNA position 1439, A replaced by G.
Protein change: p.Asp480Gly; replaces aspartic acid 480 with glycine.
Molecular consequence: missense variant. On other transcripts: non-coding transcript variant (4).
Genome position (GRCh38, 1-based): chr13:20,638,384, A>G. VCF-style: chr13-20638384-A-G. GRCh37 (hg19) VCF-style: chr13-21212523-A-G.
Other names: c.1382A>G, p.Asp461Gly (NM_001318491.2, NM_001353575.2); c.1466A>G, p.Asp489Gly (NM_001318493.2, NM_001353565.2, NM_001353566.2 and 2 more transcripts); c.1439A>G, p.Asp480Gly (NM_001353568.2, NM_001353572.2); c.1364A>G, p.Asp455Gly (NM_001353569.2, NM_001353570.2, NM_001353576.2 and 1 more transcripts); c.1337A>G, p.Asp446Gly (NM_001353571.2, NM_001353578.2); c.1295A>G, p.Asp432Gly (NM_001353573.2); c.1280A>G, p.Asp427Gly (NM_001353574.2); c.806A>G, p.Asp269Gly (NM_001353579.2); short protein forms D427G, D432G, D455G, D461G, D489G, D269G, D446G, D480G.
Identifiers: ClinVar variation 2877789 (VCV002877789.3), dbSNP rs973839736, ClinGen allele CA246517533.